The following is an entry in ClinVar:

ClinVar aggregate classification (germline): Conflicting classifications of pathogenicity. Review status: criteria provided, conflicting classifications (1 of 4 stars). 3 submissions from 3 submitters: Uncertain significance (1); Likely benign (2). Last evaluated 2025-08-20.

Conditions:
Familial sleep-related hypermotor epilepsy. Also called: Autosomal Dominant Sleep-Related Hypermotor (Hyperkinetic) Epilepsy. Identifiers: Orphanet 98784, MedGen C3696898, MONDO:0000030.
Inborn genetic diseases. Identifiers: MedGen C0950123, MeSH D030342.

Allele frequency attached by ClinVar (database versions not stated): ESP Exome Variant Server 0.00008; TOPMed 0.00010.
gnomAD v4.1: 83 of 1,614,242 alleles (0.0051%); highest among the groups gnomAD compares: South Asian, 0.016%; no homozygotes.

Submissions (3):

Ambry Genetics
Classification: Likely benign for Inborn genetic diseases. Last evaluated: 2025-08-20. Review status: criteria provided, single submitter. Criteria: Ambry Variant Classification Scheme 2023. Collection method: clinical testing. Allele origin: germline.

Labcorp Genetics (formerly Invitae), Labcorp
Classification: Likely benign. Last evaluated: 2025-05-18. Review status: criteria provided, single submitter. Criteria: Invitae Variant Classification Sherloc (09022015). Collection method: clinical testing. Allele origin: germline.

GeneDx
Classification: Uncertain significance. Last evaluated: 2020-09-15. Review status: criteria provided, single submitter. Criteria: GeneDx Variant Classification Process June 2021. Collection method: clinical testing. Allele origin: germline. Affected: yes.
Comment: In silico analysis, which includes protein predictors and evolutionary conservation, supports a deleterious effect; Has not been previously published as pathogenic or benign to our knowledge; Observed in 0.0048% (12/251472 alleles) in large population cohorts (Lek et al., 2016)

NM_000742.4(CHRNA2):c.1568C>T (p.Pro523Leu)

Gene: CHRNA2 (cholinergic receptor nicotinic alpha 2 subunit; minus strand). Cytogenetic location: 8p21.2.
Variant type: single nucleotide variant.
Coding change: c.1568C>T on transcript NM_000742.4 (MANE Select); coding-DNA position 1568, C replaced by T.
Protein change: p.Pro523Leu; replaces proline 523 with leucine.
Molecular consequence: missense variant.
Genome position (GRCh38, 1-based): chr8:27,461,651, G>A on the plus strand (C>T on the coding strand, the complement: CHRNA2 is on the minus strand). VCF-style: chr8-27461651-G-A. GRCh37 (hg19) VCF-style: chr8-27319168-G-A.
Other names: p.P523L:CCG>CTG; c.1523C>T, p.Pro508Leu (NM_001282455.2); c.1091C>T, p.Pro364Leu (NM_001347705.2, NM_001347706.2); c.974C>T, p.Pro325Leu (NM_001347707.2, NM_001347708.2); short protein forms P523L, P508L, P325L, P364L.
Identifiers: ClinVar variation 204977 (VCV000204977.17), dbSNP rs145238683, ClinGen allele CA313476.